The following is an entry in ClinVar:

ClinVar aggregate classification (germline): Likely benign (1 of 4 stars; one submission).

Allele frequency attached by ClinVar (database versions not stated): TOPMed below 0.00001; gnomAD 0.00001.
gnomAD v4.1: 1 of 1,612,748 alleles (0.000062%); highest among the groups gnomAD compares: Non-Finnish European, 0.000085%; no homozygotes.

Submission:

CeGaT Center for Human Genetics Tuebingen
Classification: Likely benign. Last evaluated: 2022-06-01. Review status: criteria provided, single submitter. Criteria: CeGaT Center For Human Genetics Tuebingen Variant Classification Criteria Version 2. Collection method: clinical testing. Allele origin: germline. Affected: yes. Observed: 1 variant allele.
Comment: NDUFAF6: BP4, BP7

NM_152416.4(NDUFAF6):c.891T>C (p.Phe297=)

Gene: NDUFAF6 (NADH:ubiquinone oxidoreductase complex assembly factor 6; plus strand). Cytogenetic location: 8q22.1.
Variant type: single nucleotide variant.
Coding change: c.891T>C on transcript NM_152416.4 (MANE Select); coding-DNA position 891, T replaced by C.
Protein change: p.Phe297=; no amino-acid change (phenylalanine 297 retained).
Molecular consequence: synonymous variant. On other transcripts: non-coding transcript variant (3), intron variant (1).
Genome position (GRCh38, 1-based): chr8:95,057,826, T>C. VCF-style: chr8-95057826-T-C. GRCh37 (hg19) VCF-style: chr8-96070054-T-C.
Other names: c.615T>C, p.Phe205= (NM_001330582.2, NM_001354514.2, NM_001354515.2); c.735T>C, p.Phe245= (NM_001354516.2); c.558T>C, p.Phe186= (NM_001354517.2, NM_001354518.2, NM_001354519.2 and 1 more transcripts); c.435T>C, p.Phe145= (NM_001354522.2, NM_001354524.2, NM_001354525.2 and 7 more transcripts); c.483+9268T>C (NM_001354534.2).
Identifiers: ClinVar variation 2658699 (VCV002658699.24), dbSNP rs1417716077, ClinGen allele CA462306387.
Genomic context (GRCh38, chr8:95,057,826, plus strand): 5'-TGATCATTTTATGATCTGGTGATCACTATTCTCTTTTTTCCAGGTTTCTCTAGAGGACTT[T>C]CTAAAGAAAATTCAGCGAGTGGATTTTGATATATTCCACCCATCTTTACAGCAGAAGAAT-3'
Protein context (NP_689629.2, residues 287-307): AFLQTVSLED[Phe297=]LKKIQRVDFD